The following is an entry in ClinVar:

NM_138713.4(NFAT5):c.2746A>G (p.Met916Val)

Gene: NFAT5 (nuclear factor of activated T cells 5; plus strand). Cytogenetic location: 16q22.1.
Variant type: single nucleotide variant.
Coding change: c.2746A>G on transcript NM_138713.4 (MANE Select); coding-DNA position 2746, A replaced by G.
Protein change: p.Met916Val; replaces methionine 916 with valine.
Molecular consequence: missense variant.
Genome position (GRCh38, 1-based): chr16:69,692,571, A>G. VCF-style: chr16-69692571-A-G. GRCh37 (hg19) VCF-style: chr16-69726474-A-G.
Other names: c.2743A>G, p.Met915Val (NM_001113178.3); c.2071A>G, p.Met691Val (NM_001367709.1); c.2692A>G, p.Met898Val (NM_006599.4); c.2464A>G, p.Met822Val (NM_138714.4, NM_173214.3, NM_173215.3); short protein forms M915V, M822V, M691V, M898V, M916V.
Identifiers: ClinVar variation 1481506 (VCV001481506.6), dbSNP rs2151719975, ClinGen allele CA396510699.

ClinVar aggregate classification (germline): Uncertain significance (1 of 4 stars; one submission).

Conditions:
Immunodeficiency. Identifiers: MedGen C0021051, MONDO:0021094, HP:0002721.

Submission:

Labcorp Genetics (formerly Invitae), Labcorp
Classification: Uncertain significance for Immunodeficiency. Last evaluated: 2021-10-13. Review status: criteria provided, single submitter. Criteria: Invitae Variant Classification Sherloc (09022015). Collection method: clinical testing. Allele origin: germline.
Comment: Algorithms developed to predict the effect of missense changes on protein structure and function (SIFT, PolyPhen-2, Align-GVGD) all suggest that this variant is likely to be tolerated. In summary, the available evidence is currently insufficient to determine the role of this variant in disease. Therefore, it has been classified as a Variant of Uncertain Significance. This variant has not been reported in the literature in individuals affected with NFAT5-related conditions. This variant is not present in population databases (ExAC no frequency). This sequence change replaces methionine with valine at codon 822 of the NFAT5 protein (p.Met822Val). The methionine residue is moderately conserved and there is a small physicochemical difference between methionine and valine.